The following is an entry in ClinVar:

NM_000059.4(BRCA2):c.3681del (p.Asn1228fs)

Gene: BRCA2 (BRCA2 DNA repair associated; plus strand). Cytogenetic location: 13q13.1.
Variant type: Deletion.
Coding change: c.3681del on transcript NM_000059.4 (MANE Select); coding-DNA position 3681, one base deleted (G; older notation c.3681delG).
Protein change: p.Asn1228fs; shifts the reading frame from asparagine 1228.
Molecular consequence: frameshift variant.
Genome position (GRCh38, 1-based): chr13:32,338,036, G deleted. VCF-style (leftmost placement, unchanged base first): chr13-32338035-TG-T. GRCh37 (hg19) VCF-style: chr13-32912172-TG-T.
Other names: c.3681delG (NM_000059.3); short protein forms N1228fs.
Identifiers: ClinVar variation 254522 (VCV000254522.4), dbSNP rs886038092, ClinGen allele CA10586513.

ClinVar aggregate classification (germline): Pathogenic (3 of 4 stars; one submission).

Conditions:
Breast-ovarian cancer, familial, susceptibility to, 2 (BROVCA2). Also called: BRCA2 Hereditary Breast and Ovarian Cancer. Identifiers: Orphanet 145, MedGen C2675520, MONDO:0012933, OMIM 612555. Disease mechanism: loss of function.

Submission:

Evidence-based Network for the Interpretation of Germline Mutant Alleles (ENIGMA)
Classification: Pathogenic for Breast-ovarian cancer, familial, susceptibility to, 2. Last evaluated: 2016-09-08. Review status: reviewed by expert panel. Criteria: ENIGMA BRCA1/2 Classification Criteria (2015). Collection method: curation. Allele origin: germline.
Comment: Variant allele predicted to encode a truncated non-functional protein.